The following is an entry in ClinVar:

NM_007074.4(CORO1A):c.1172C>T (p.Ser391Phe)

Gene: CORO1A (coronin 1A; plus strand). Cytogenetic location: 16p11.2.
Variant type: single nucleotide variant.
Coding change: c.1172C>T on transcript NM_007074.4 (MANE Select); coding-DNA position 1172, C replaced by T.
Protein change: p.Ser391Phe; replaces serine 391 with phenylalanine.
Molecular consequence: missense variant.
Genome position (GRCh38, 1-based): chr16:30,188,467, C>T. VCF-style: chr16-30188467-C-T. GRCh37 (hg19) VCF-style: chr16-30199788-C-T.
Other names: c.1172C>T, p.Ser391Phe (NM_001193333.3); short protein forms S391F.
Identifiers: ClinVar variation 2171279 (VCV002171279.4), dbSNP rs375532115, ClinGen allele CA280450826.

ClinVar aggregate classification (germline): Uncertain significance (1 of 4 stars; one submission).

Conditions:
Severe combined immunodeficiency due to CORO1A deficiency. Also called: IMMUNODEFICIENCY 8 WITH LYMPHOPROLIFERATION; Immunodeficiency 8. Identifiers: Orphanet 228003, MedGen C3809383, MONDO:0014168, OMIM 615401.

Submission:

Labcorp Genetics (formerly Invitae), Labcorp
Classification: Uncertain significance for Severe combined immunodeficiency due to CORO1A deficiency. Last evaluated: 2022-08-19. Review status: criteria provided, single submitter. Criteria: Invitae Variant Classification Sherloc (09022015). Collection method: clinical testing. Allele origin: germline.
Comment: This sequence change replaces serine, which is neutral and polar, with phenylalanine, which is neutral and non-polar, at codon 391 of the CORO1A protein (p.Ser391Phe). This variant is not present in population databases (gnomAD no frequency). This variant has not been reported in the literature in individuals affected with CORO1A-related conditions. Algorithms developed to predict the effect of missense changes on protein structure and function are either unavailable or do not agree on the potential impact of this missense change (SIFT: "Deleterious"; PolyPhen-2: "Probably Damaging"; Align-GVGD: "Class C15"). In summary, the available evidence is currently insufficient to determine the role of this variant in disease. Therefore, it has been classified as a Variant of Uncertain Significance.